The following is an entry in ClinVar:

NM_005188.4(CBL):c.2498_2499del (p.Asn832_Ser833insTer)

Gene: CBL (Cbl proto-oncogene; plus strand). Cytogenetic location: 11q23.3.
Variant type: Microsatellite.
Coding change: c.2498_2499del on transcript NM_005188.4 (MANE Select); coding-DNA positions 2498 to 2499, 2 bases deleted (CT; older notation c.2498_2499delCT).
Protein change: p.Asn832_Ser833insTer.
Molecular consequence: nonsense.
Genome position (GRCh38, 1-based): chr11:119,299,558-119,299,559, CT deleted; deleting any 2 consecutive bases within chr11:119,299,556-119,299,559 gives the same sequence; the c. name uses the placement nearest the transcript's 3' end. VCF-style (leftmost placement, unchanged base first): chr11-119299555-ACT-A. GRCh37 (hg19) VCF-style: chr11-119170265-ACT-A.
Identifiers: ClinVar variation 3774090 (VCV003774090.1).

ClinVar aggregate classification (germline): Uncertain significance (1 of 4 stars; one submission).

Submission:

GeneDx
Classification: Uncertain significance. Last evaluated: 2024-09-22. Review status: criteria provided, single submitter. Criteria: GeneDx Variant Classification Process June 2021. Collection method: clinical testing. Allele origin: germline. Affected: yes.
Comment: Not observed at significant frequency in large population cohorts (gnomAD); Has not been previously published as pathogenic or benign to our knowledge; Nonsense variant predicted to result in protein truncation as the last 74 amino acid(s) are lost with an unclear effect on protein function; This variant is associated with the following publications: (PMID: 20619386, 11067845)